The following is an entry in ClinVar:

NM_006946.4(SPTBN2):c.4445G>T (p.Arg1482Leu)

Gene: SPTBN2 (spectrin beta, non-erythrocytic 2; minus strand). Cytogenetic location: 11q13.2.
Variant type: single nucleotide variant.
Coding change: c.4445G>T on transcript NM_006946.4 (MANE Select); coding-DNA position 4445, G replaced by T.
Protein change: p.Arg1482Leu; replaces arginine 1482 with leucine.
Molecular consequence: missense variant.
Genome position (GRCh38, 1-based): chr11:66,694,197, C>A on the plus strand (G>T on the coding strand, the complement: SPTBN2 is on the minus strand). VCF-style: chr11-66694197-C-A. GRCh37 (hg19) VCF-style: chr11-66461668-C-A.
Other names: c.4466G>T, p.Arg1489Leu (NM_001411025.1); short protein forms R1482L, R1489L.
Identifiers: ClinVar variation 3619182 (VCV003619182.2).
Genomic context (GRCh38, chr11:66,694,197, plus strand): 5'-ACAATCTCATCTTCCACATCGCGGTGGAACTGGTGCTGCTCGCGAGAAGCCTGCAGGCGC[C>A]GGCAGCGTTCCCGCATGGGCTGGCACAAGGCCCTGAACTTCTCCTCCACGGCCCTCGAGG-3'
Protein context (NP_008877.2, residues 1472-1492): ALCQPMRERC[Arg1482Leu]RLQASREQHQ

ClinVar aggregate classification (germline): Uncertain significance (1 of 4 stars; one submission).

gnomAD v4.1: 13 of 1,613,290 alleles (0.00081%); highest among the groups gnomAD compares: Admixed American, 0.022%; no homozygotes.

Submission:

Labcorp Genetics (formerly Invitae), Labcorp
Classification: Uncertain significance. Last evaluated: 2025-03-17. Review status: criteria provided, single submitter. Criteria: Invitae Variant Classification Sherloc (09022015). Collection method: clinical testing. Allele origin: germline.
Comment: This sequence change replaces arginine, which is basic and polar, with leucine, which is neutral and non-polar, at codon 1482 of the SPTBN2 protein (p.Arg1482Leu). This variant is present in population databases (no rsID available, gnomAD 0.006%). This variant has not been reported in the literature in individuals affected with SPTBN2-related conditions. Invitae Evidence Modeling of protein sequence and biophysical properties (such as structural, functional, and spatial information, amino acid conservation, physicochemical variation, residue mobility, and thermodynamic stability) indicates that this missense variant is not expected to disrupt SPTBN2 protein function with a negative predictive value of 80%. In summary, the available evidence is currently insufficient to determine the role of this variant in disease. Therefore, it has been classified as a Variant of Uncertain Significance.